The following is an entry in ClinVar:

ClinVar aggregate classification (germline): Benign/Likely benign. Review status: criteria provided, multiple submitters, no conflicts (2 of 4 stars). 2 submissions from 2 submitters: Benign (1); Likely benign (1). Last evaluated 2024-05-14.

Conditions:
Familial cancer of breast. Also called: Hereditary breast cancer; BREAST CANCER, FAMILIAL; hereditary breast carcinoma. Identifiers: Orphanet 227535, MedGen C0346153, MONDO:0016419, OMIM 114480. Disease mechanism: loss of function.

Submissions (2):

Myriad Genetics, Inc.
Classification: Benign for Familial cancer of breast. Last evaluated: 2024-05-14. Review status: criteria provided, single submitter. Criteria: Myriad Autosomal Dominant, Autosomal Recessive and X-Linked Classification Criteria (2023). Collection method: clinical testing. Allele origin: unknown.
Comment: This variant is considered benign. This variant is intronic and is not expected to impact mRNA splicing.

GeneDx
Classification: Likely benign. Last evaluated: 2017-07-21. Review status: criteria provided, single submitter. Criteria: GeneDx Variant Classification (06012015). Collection method: clinical testing. Allele origin: germline. Affected: yes.
Comment: This variant is considered likely benign or benign based on one or more of the following criteria: it is a conservative change, it occurs at a poorly conserved position in the protein, it is predicted to be benign by multiple in silico algorithms, and/or has population frequency not consistent with disease.

NM_000051.4(ATM):c.3285-31TTTG[3]

Gene: ATM (ATM serine/threonine kinase; plus strand). Cytogenetic location: 11q22.3.
Variant type: Microsatellite.
Coding change: c.3285-31TTTG[3] on transcript NM_000051.4 (MANE Select); three copies in a row of the 4-base unit TTTG starting at c.3285-31; the reference has four copies in a row; one copy, 4 bases deleted.
Molecular consequence: intron variant.
Genome position (GRCh38, 1-based): chr11:108,279,472-108,279,475, TTTG deleted; deleting any 4 consecutive bases within chr11:108,279,460-108,279,475 gives the same sequence; the position shown is the placement nearest the transcript's 3' end. VCF-style (leftmost placement, unchanged base first): chr11-108279459-TTTTG-T. GRCh37 (hg19) VCF-style: chr11-108150186-TTTTG-T.
Other names: c.3285-31TTTG[3] (NM_001351834.2); c.3285-19_3285-16delTTTG (NM_000051.3).
Identifiers: ClinVar variation 418727 (VCV000418727.2), dbSNP rs750490644, ClinGen allele CA6265251.